The following is an entry in ClinVar:

ClinVar aggregate classification (germline): Uncertain significance. Review status: criteria provided, multiple submitters, no conflicts (2 of 4 stars). 2 submissions from 2 submitters: Uncertain significance (2). Last evaluated 2025-10-19.

Conditions:
Hereditary cancer-predisposing syndrome. Also called: Hereditary neoplastic syndrome; Hereditary Cancer Syndrome; Neoplastic Syndromes, Hereditary; Tumor predisposition. Identifiers: Orphanet 140162, MedGen C0027672, MeSH D009386, MONDO:0015356.
Familial adenomatous polyposis 2. Also called: MYH-associated polyposis; COLORECTAL ADENOMATOUS POLYPOSIS, AUTOSOMAL RECESSIVE; ADENOMAS, MULTIPLE COLORECTAL, AUTOSOMAL RECESSIVE; MUTYH-related attenuated familial adenomatous polyposis; Adenomas, multiple colorectal; FAP type 2. Identifiers: Orphanet 220460, Orphanet 247798, MedGen C3272841, MONDO:0012041, OMIM 608456.

Allele frequency attached by ClinVar (database versions not stated): gnomAD exomes below 0.00001 and 0.00001; TOPMed below 0.00001.
gnomAD v4.1: 2 of 1,614,212 alleles (0.00012%); highest among the groups gnomAD compares: Admixed American, 0.0033%; no homozygotes.

Submissions (2):

Labcorp Genetics (formerly Invitae), Labcorp
Classification: Uncertain significance for Familial adenomatous polyposis 2. Last evaluated: 2025-10-19. Review status: criteria provided, single submitter. Criteria: Invitae Variant Classification Sherloc (09022015). Collection method: clinical testing. Allele origin: germline.
Comment: This sequence change replaces proline, which is neutral and non-polar, with leucine, which is neutral and non-polar, at codon 112 of the MUTYH protein (p.Pro112Leu). This variant is present in population databases (no rsID available, gnomAD 0.006%). This variant has not been reported in the literature in individuals affected with MUTYH-related conditions. ClinVar contains an entry for this variant (Variation ID: 483909). An algorithm developed to predict the effect of missense changes on protein structure and function (PolyPhen-2) suggests that this variant is likely to be disruptive. In summary, the available evidence is currently insufficient to determine the role of this variant in disease. Therefore, it has been classified as a Variant of Uncertain Significance.

Ambry Genetics
Classification: Uncertain significance for Hereditary cancer-predisposing syndrome. Last evaluated: 2025-10-03. Review status: criteria provided, single submitter. Criteria: Ambry Variant Classification Scheme 2023. Collection method: clinical testing. Allele origin: germline.
Comment: The p.P112L variant (also known as c.335C>T), located in coding exon 3 of the MUTYH gene, results from a C to T substitution at nucleotide position 335. The proline at codon 112 is replaced by leucine, an amino acid with similar properties. This amino acid position is highly conserved in available vertebrate species. In addition, this alteration is predicted to be deleterious by in silico analysis. Based on the available evidence, the clinical significance of this variant remains unclear.

NM_001048174.2(MUTYH):c.251C>T (p.Pro84Leu)

Gene: MUTYH (mutY DNA glycosylase; minus strand). Cytogenetic location: 1p34.1.
Variant type: single nucleotide variant.
Coding change: c.251C>T on transcript NM_001048174.2 (MANE Select); coding-DNA position 251, C replaced by T.
Protein change: p.Pro84Leu; replaces proline 84 with leucine.
Molecular consequence: missense variant. On other transcripts: 5 prime UTR variant (4), non-coding transcript variant (2).
Genome position (GRCh38, 1-based): chr1:45,333,426, G>A on the plus strand (C>T on the coding strand, the complement: MUTYH is on the minus strand). VCF-style: chr1-45333426-G-A. GRCh37 (hg19) VCF-style: chr1-45799098-G-A.
Other names: c.296C>T, p.Pro99Leu (NM_001293190.2); c.284C>T, p.Pro95Leu (NM_001293191.2); c.-26C>T (NM_001293192.2, NM_001293196.2); c.251C>T, p.Pro84Leu (NM_001293195.2, NM_001048171.2, NM_001048173.2); c.-21C>T (NM_001350650.2, NM_001350651.2); c.326C>T, p.Pro109Leu (NM_012222.3); c.254C>T, p.Pro85Leu (NM_001048172.2); c.335C>T, p.Pro112Leu (NM_001128425.2); short protein forms P112L, P109L, P85L, P99L, P84L, P95L.
Identifiers: ClinVar variation 483909 (VCV000483909.10), dbSNP rs1217742466, ClinGen allele CA340136356.